The following is an entry in ClinVar:

ClinVar aggregate classification (germline): Uncertain significance (1 of 4 stars; one submission).

Conditions:
Cardiovascular phenotype. Identifiers: MedGen CN230736.

gnomAD v4.1: 6 of 1,613,616 alleles (0.00037%); highest among the groups gnomAD compares: African/African-American, 0.0013%; no homozygotes.

Submission:

Ambry Genetics
Classification: Uncertain significance for Cardiovascular phenotype. Last evaluated: 2026-07-01. Review status: criteria provided, single submitter. Criteria: Ambry Variant Classification Scheme 2023. Collection method: clinical testing. Allele origin: germline.
Comment: The p.R12C variant (also known as c.34C>T), located in coding exon 1 of the TECRL gene, results from a C to T substitution at nucleotide position 34. The arginine at codon 12 is replaced by cysteine, an amino acid with highly dissimilar properties. This amino acid position is conserved. In addition, this alteration is predicted to be tolerated by in silico analysis. Based on the available evidence, the clinical significance of this variant remains unclear.

NM_001010874.5(TECRL):c.34C>T (p.Arg12Cys)

Gene: TECRL (trans-2,3-enoyl-CoA reductase like; minus strand). Cytogenetic location: 4q13.1.
Variant type: single nucleotide variant.
Coding change: c.34C>T on transcript NM_001010874.5 (MANE Select); coding-DNA position 34, C replaced by T.
Protein change: p.Arg12Cys; replaces arginine 12 with cysteine.
Molecular consequence: missense variant.
Genome position (GRCh38, 1-based): chr4:64,409,318, G>A on the plus strand (C>T on the coding strand, the complement: TECRL is on the minus strand). VCF-style: chr4-64409318-G-A. GRCh37 (hg19) VCF-style: chr4-65275036-G-A.
Other names: c.34C>T, p.Arg12Cys (NM_001363796.1); short protein forms R12C.
Identifiers: ClinVar variation 5030601 (VCV005030601.1).